The following is an entry in ClinVar:

ClinVar aggregate classification (germline): Pathogenic (1 of 4 stars; one submission).

Conditions:
Pheochromocytoma/paraganglioma syndrome 5. Also called: Paragangliomas 5; SDHA-Related Hereditary Paraganglioma-Pheochromocytoma Syndrome. Identifiers: Orphanet 29072, MedGen C3279992, MONDO:0013602, OMIM 614165.

Submission:

Myriad Genetics, Inc.
Classification: Pathogenic for Pheochromocytoma/paraganglioma syndrome 5. Last evaluated: 2025-07-22. Review status: criteria provided, single submitter. Criteria: Myriad Autosomal Dominant, Autosomal Recessive and X-Linked Classification Criteria (2023). Collection method: clinical testing. Allele origin: unknown.
Comment: This variant is considered pathogenic. This variant creates a frameshift predicted to result in premature protein truncation.

NM_004168.4(SDHA):c.1590_1603del (p.Ser530fs)

Gene: SDHA (succinate dehydrogenase complex flavoprotein subunit A; plus strand). Cytogenetic location: 5p15.33.
Variant type: Deletion.
Coding change: c.1590_1603del on transcript NM_004168.4 (MANE Select); coding-DNA positions 1590 to 1603, 14 bases deleted (CGTGTTGCAAGAAG).
Protein change: p.Ser530fs; shifts the reading frame from serine 530.
Molecular consequence: frameshift variant. On other transcripts: intron variant (1).
Genome position (GRCh38, 1-based): chr5:251,030-251,043, CGTGTTGCAAGAAG deleted; deleting any 14 consecutive bases within chr5:251,026-251,043 gives the same sequence; the c. name uses the placement nearest the transcript's 3' end. VCF-style (leftmost placement, unchanged base first): chr5-251025-GGAAGCGTGTTGCAA-G. GRCh37 (hg19) VCF-style: chr5-251140-GGAAGCGTGTTGCAA-G.
Other names: c.1446_1459del, p.Ser482fs (NM_001294332.2); c.1552-3363_1552-3350del (NM_001330758.2); short protein forms S482fs, S530fs.
Identifiers: ClinVar variation 4294241 (VCV004294241.1).
Genomic context (GRCh38, chr5:251,025, plus strand): 5'-GTTTACAAATAATATTTTGTGCCACAGTCAATGCAAAATCATGCTGCCGTGTTCCGTGTG[GGAAGCGTGTTGCAA>G]GAAGGTTGTGGGAAAATCAGCAAGCTCTATGGAGACCTAAAGCACCTGAAGACGTTCGAC-3'